The following is an entry in ClinVar:

ClinVar aggregate classification (germline): Benign/Likely benign. Review status: criteria provided, multiple submitters, no conflicts (2 of 4 stars). 7 submissions from 7 submitters: Benign (4); Likely benign (3). Last evaluated 2026-05-01.

Conditions:
Focal segmental glomerulosclerosis 1 (FSGS1). Identifiers: Orphanet 656, MedGen C4551527, MONDO:0011303, OMIM 603278.
Focal segmental glomerulosclerosis (FSGS). Also called: Glomerulosclerosis, focal; Focal sclerosis with hyalinosis. Identifiers: MedGen C0017668, MONDO:0100313, HP:0000097. Disease mechanism: loss of function.

Allele frequency attached by ClinVar (database versions not stated): gnomAD 0.00258 and 0.00270; TOPMed 0.00274; ESP Exome Variant Server 0.00292; 1000 Genomes Project 0.00339; 1000 Genomes Project 30x 0.00406.
gnomAD v4.1: 719 of 1,614,132 alleles (0.045%); highest among the groups gnomAD compares: African/African-American, 0.85%; 3 homozygotes.

Submissions (7):

CeGaT Center for Human Genetics Tuebingen
Classification: Likely benign. Last evaluated: 2026-05-01. Review status: criteria provided, single submitter. Criteria: CeGaT Center For Human Genetics Tuebingen Variant Classification Criteria Version 2. Collection method: clinical testing. Allele origin: germline. Affected: yes. Observed: 2 variant alleles.
Comment: ACTN4: PP2, PP3, BS1

Labcorp Genetics (formerly Invitae), Labcorp
Classification: Benign. Last evaluated: 2026-01-14. Review status: criteria provided, single submitter. Criteria: Invitae Variant Classification Sherloc (09022015). Collection method: clinical testing. Allele origin: germline.

Genome-Nilou Lab
Classification: Benign for Focal segmental glomerulosclerosis 1. Last evaluated: 2021-12-05. Review status: criteria provided, single submitter. Criteria: ACMG Guidelines, 2015. Collection method: clinical testing. Allele origin: germline. Affected: no.

GeneDx
Classification: Likely benign. Last evaluated: 2021-03-05. Review status: criteria provided, single submitter. Criteria: GeneDx Variant Classification Process June 2021. Collection method: clinical testing. Allele origin: germline. Affected: yes.

Genome Diagnostics Laboratory, The Hospital for Sick Children
Classification: Likely benign for Focal segmental glomerulosclerosis. Last evaluated: 2020-07-01. Review status: criteria provided, single submitter. Criteria: ACMG Guidelines, 2015. Collection method: clinical testing. Allele origin: germline.

Athena Diagnostics
Classification: Benign. Last evaluated: 2016-11-22. Review status: criteria provided, single submitter. Criteria: Athena Diagnostics Criteria. Collection method: clinical testing. Allele origin: germline.

PreventionGenetics, part of Exact Sciences
Classification: Benign. Review status: criteria provided, single submitter. Criteria: ACMG Guidelines, 2015. Collection method: clinical testing. Allele origin: germline.

NM_004924.6(ACTN4):c.536C>T (p.Pro179Leu)

Gene: ACTN4 (actinin alpha 4; plus strand). Cytogenetic location: 19q13.2.
Variant type: single nucleotide variant.
Coding change: c.536C>T on transcript NM_004924.6 (MANE Select); coding-DNA position 536, C replaced by T.
Protein change: p.Pro179Leu; replaces proline 179 with leucine.
Molecular consequence: missense variant.
Genome position (GRCh38, 1-based): chr19:38,706,095, C>T. VCF-style: chr19-38706095-C-T. GRCh37 (hg19) VCF-style: chr19-39196735-C-T.
Other names: c.536C>T (NM_004924.5); c.536C>T, p.Pro179Leu (NM_001322033.2); short protein forms P179L.
Identifiers: ClinVar variation 259580 (VCV000259580.40), dbSNP rs149027682, ClinGen allele CA9417301.